The following is an entry in ClinVar:

ClinVar aggregate classification (germline): Uncertain significance (1 of 4 stars; one submission).

Allele frequency attached by ClinVar (database versions not stated): gnomAD exomes 0.00002; gnomAD 0.00003; TOPMed 0.00005.
gnomAD v4.1: 9 of 1,613,016 alleles (0.00056%); highest among the groups gnomAD compares: Admixed American, 0.015%; no homozygotes.

Submission:

Labcorp Genetics (formerly Invitae), Labcorp
Classification: Uncertain significance. Last evaluated: 2025-03-25. Review status: criteria provided, single submitter. Criteria: Invitae Variant Classification Sherloc (09022015). Collection method: clinical testing. Allele origin: germline.
Comment: This sequence change replaces glutamic acid, which is acidic and polar, with glycine, which is neutral and non-polar, at codon 3 of the GNB3 protein (p.Glu3Gly). This variant is present in population databases (no rsID available, gnomAD 0.02%). This variant has not been reported in the literature in individuals affected with GNB3-related conditions. ClinVar contains an entry for this variant (Variation ID: 1426267). An algorithm developed to predict the effect of missense changes on protein structure and function (PolyPhen-2) suggests that this variant is likely to be tolerated. In summary, the available evidence is currently insufficient to determine the role of this variant in disease. Therefore, it has been classified as a Variant of Uncertain Significance.

NM_002075.4(GNB3):c.8A>G (p.Glu3Gly)

Gene: GNB3 (G protein subunit beta 3; plus strand). Cytogenetic location: 12p13.31.
Variant type: single nucleotide variant.
Coding change: c.8A>G on transcript NM_002075.4 (MANE Select); coding-DNA position 8, A replaced by G.
Protein change: p.Glu3Gly; replaces glutamic acid 3 with glycine.
Molecular consequence: missense variant.
Genome position (GRCh38, 1-based): chr12:6,841,295, A>G. VCF-style: chr12-6841295-A-G. GRCh37 (hg19) VCF-style: chr12-6950459-A-G.
Other names: c.8A>G, p.Glu3Gly (NM_001297571.2); short protein forms E3G.
Identifiers: ClinVar variation 1426267 (VCV001426267.8), dbSNP rs1317751990, ClinGen allele CA383671293.